The following is an entry in ClinVar:

ClinVar aggregate classification (germline): Pathogenic. Review status: criteria provided, multiple submitters, no conflicts (2 of 4 stars). 2 submissions from 2 submitters: Pathogenic (2). Last evaluated 2022-10-21.

Conditions:
Early-infantile DEE. Also called: Early infantile epileptic encephalopathy with suppression bursts; Ohtahara syndrome; Early infantile epileptic encephalopathy. Identifiers: Orphanet 1934, MedGen C0393706, MONDO:0800491.

Submissions (2):

Labcorp Genetics (formerly Invitae), Labcorp
Classification: Pathogenic for Early-infantile DEE. Last evaluated: 2022-10-21. Review status: criteria provided, single submitter. Criteria: Invitae Variant Classification Sherloc (09022015). Collection method: clinical testing. Allele origin: germline.
Comment: For these reasons, this variant has been classified as Pathogenic. ClinVar contains an entry for this variant (Variation ID: 598155). This variant has not been reported in the literature in individuals affected with KCNQ2-related conditions. This variant is not present in population databases (gnomAD no frequency). This sequence change creates a premature translational stop signal (p.Thr35Profs*7) in the KCNQ2 gene. It is expected to result in an absent or disrupted protein product. Loss-of-function variants in KCNQ2 are known to be pathogenic (PMID: 14534157, 23692823, 27779742).

Eurofins Ntd Llc (ga)
Classification: Pathogenic. Last evaluated: 2018-08-16. Review status: criteria provided, single submitter. Criteria: EGL ClinVar v180209 classification definitions. Collection method: clinical testing. Allele origin: germline. Observed: 1 variant allele, 1 heterozygote.

Literature cited by the submitters: PubMed 14534157 (cited by Labcorp Genetics (formerly Invitae), Labcorp); PubMed 23692823 (cited by Labcorp Genetics (formerly Invitae), Labcorp); PubMed 27779742 (cited by Labcorp Genetics (formerly Invitae), Labcorp).

NM_172107.4(KCNQ2):c.102del (p.Thr35fs)

Gene: KCNQ2 (potassium voltage-gated channel subfamily Q member 2; minus strand). Cytogenetic location: 20q13.33.
Variant type: Deletion.
Coding change: c.102del on transcript NM_172107.4 (MANE Select); coding-DNA position 102, one base deleted (C; older notation c.102delC).
Protein change: p.Thr35fs; shifts the reading frame from threonine 35.
Molecular consequence: frameshift variant.
Genome position (GRCh38, 1-based): chr20:63,472,362, G deleted on the plus strand (C on the coding strand, the reverse complement: KCNQ2 is on the minus strand); the first of 2 consecutive G bases (chr20:63,472,362-63,472,363); deleting either gives the same sequence. VCF-style (leftmost placement, unchanged base first): chr20-63472361-TG-T. GRCh37 (hg19) VCF-style: chr20-62103714-TG-T.
Other names: c.102del, p.Thr35fs (NM_004518.6, NM_172106.3, NM_172108.5 and 1 more transcripts); short protein forms T35fs.
Identifiers: ClinVar variation 598155 (VCV000598155.9), dbSNP rs1568986619, ClinGen allele CA913190655.